The following is an entry in ClinVar:

ClinVar aggregate classification (germline): Likely pathogenic. Review status: criteria provided, multiple submitters, no conflicts (2 of 4 stars). 2 submissions from 2 submitters: Likely pathogenic (2). Last evaluated 2026-05-06.

Conditions:
Epidermolysis bullosa dystrophica. Also called: Dystrophic epidermolysis bullosa, Hallopeau-Siemens type (formerly); Dystrophic epidermolysis bullosa. Identifiers: Orphanet 303, MedGen C0079294, MONDO:0006543.
Recessive dystrophic epidermolysis bullosa (RDEB). Also called: epidermolysis bullosa dystrophica, autosomal recessive; DYSTROPHIC EPIDERMOLYSIS BULLOSA, AUTOSOMAL RECESSIVE; EPIDERMOLYSIS BULLOSA DYSTROPHICA, HALLOPEAU-SIEMENS TYPE; Hallopeau-Siemens Disease; EPIDERMOLYSIS BULLOSA DYSTROPHICA, GENERALIZED SEVERE, AUTOSOMAL RECESSIVE; Epidermolysis Bullosa Distrophica Autosomal Recessive (RDEB). Identifiers: Orphanet 79408, Orphanet 79409, MedGen C0079474, MONDO:0009179, OMIM 226600.

gnomAD v4.1: 1 of 1,614,040 alleles (0.000062%); highest among the groups gnomAD compares: Non-Finnish European, 0.000085%; no homozygotes.

Submissions (2):

Women's Health and Genetics/Laboratory Corporation of America, LabCorp
Classification: Likely pathogenic for Recessive dystrophic epidermolysis bullosa. Last evaluated: 2026-05-06. Review status: criteria provided, single submitter. Criteria: LabCorp Variant Classification Summary - May 2015. Collection method: clinical testing. Allele origin: germline.
Comment: Variant summary: COL7A1 c.4810G>A (p.Gly1604Arg) results in a non-conservative amino acid change in the encoded protein sequence. Algorithms developed to predict the effect of missense changes on protein structure and function all suggest that this variant is likely to be disruptive. The variant was absent in 251280 control chromosomes (gnomAD). c.4810G>A has been observed in individuals affected with Dystrophic Epidermolysis Bullosa, Recessive (e.g. Whittock_1999, Venugopal_2013). These data indicate that the variant may be associated with disease. This variant disrupts the triple helix domain of COL7A1. Glycine residues within the Gly-Xaa-Yaa repeats of the triple helix domain are required for the structure and stability of fibrillar collagens (PMID: 7695699, 8218237, 19344236). A different variant affecting the same codon has been classified as pathogenic by our lab (c.4811G>A, p.Gly1604Glu), supporting the critical relevance of codon 1604 to COL7A1 protein function. To our knowledge, no experimental evidence demonstrating an impact on protein function has been reported. The following publications have been ascertained in the context of this evaluation (PMID: 10504458, 21448560, 15113589, 28853495). ClinVar contains an entry for this variant (Variation ID: 4817380). Based on the evidence outlined above, the variant was classified as likely pathogenic.

Natera, Inc.
Classification: Likely pathogenic for Dystrophic epidermolysis bullosa. Last evaluated: 2025-10-27. Review status: criteria provided, single submitter. Criteria: Natera Variant Classification Schema (03/2026). Collection method: clinical testing. Allele origin: germline.
Comment: The c.4810G>A variant in COL7A1 is a missense variant predicted to cause substitution of glycine to arginine at amino acid 1604. This variant is rare in the general population with a frequency below the threshold expected for the associated phenotype(s). This variant has been observed in one or more individuals affected with the associated recessive disease, as either homozygous or compound heterozygous with a second variant (PMID: 10504458, 24075228). A different variant at the same position has been determined to be Pathogenic or Likely Pathogenic. Computational prediction algorithms indicate this variant is likely to affect gene or protein function. Given the available evidence, this variant is classified as Likely Pathogenic.

Literature cited by the submitters: PubMed 21448560 (cited by Women's Health and Genetics/Laboratory Corporation of America, LabCorp); PubMed 10504458 (cited by Women's Health and Genetics/Laboratory Corporation of America, LabCorp and Natera, Inc.); PubMed 28853495 (cited by Women's Health and Genetics/Laboratory Corporation of America, LabCorp); PubMed 15113589 (cited by Women's Health and Genetics/Laboratory Corporation of America, LabCorp); PubMed 24075228 (cited by Natera, Inc.).

NM_000094.4(COL7A1):c.4810G>A (p.Gly1604Arg)

Gene: COL7A1 (collagen type VII alpha 1 chain; minus strand). Cytogenetic location: 3p21.31.
Variant type: single nucleotide variant.
Coding change: c.4810G>A on transcript NM_000094.4 (MANE Select); coding-DNA position 4810, G replaced by A.
Protein change: p.Gly1604Arg; replaces glycine 1604 with arginine.
Molecular consequence: missense variant.
Genome position (GRCh38, 1-based): chr3:48,581,456, C>T on the plus strand (G>A on the coding strand, the complement: COL7A1 is on the minus strand). VCF-style: chr3-48581456-C-T. GRCh37 (hg19) VCF-style: chr3-48618889-C-T.
Other names: short protein forms G1604R.
Identifiers: ClinVar variation 4817380 (VCV004817380.2).